The following is an entry in ClinVar:

NM_004563.4(PCK2):c.1406G>A (p.Arg469His)

Genes: NRL (neural retina leucine zipper; minus strand), PCK2 (phosphoenolpyruvate carboxykinase 2, mitochondrial; plus strand). Cytogenetic location: 14q12.
Variant type: single nucleotide variant.
Coding change: c.1406G>A on transcript NM_004563.4 (MANE Select); coding-DNA position 1406, G replaced by A.
Protein change: p.Arg469His; replaces arginine 469 with histidine.
Molecular consequence: missense variant. On other transcripts: intron variant (3).
Genome position (GRCh38, 1-based): chr14:24,103,193, G>A. VCF-style: chr14-24103193-G-A. GRCh37 (hg19) VCF-style: chr14-24572402-G-A.
Other names: c.1004G>A, p.Arg335His (NM_001291556.2, NM_001308054.2); c.-28+11529C>T (NM_001354768.3, NM_001354770.2); c.-254+11529C>T (NM_006177.5); short protein forms R469H, R335H.
Identifiers: ClinVar variation 1401793 (VCV001401793.6), dbSNP rs201340475, ClinGen allele CA7123484.

ClinVar aggregate classification (germline): Uncertain significance (1 of 4 stars; one submission).

Allele frequency attached by ClinVar (database versions not stated): TOPMed 0.00010; ExAC 0.00011; gnomAD exomes 0.00011 and 0.00012; gnomAD 0.00015 and 0.00016.
gnomAD v4.1: 181 of 1,613,944 alleles (0.011%); highest among the groups gnomAD compares: Middle Eastern, 0.049%; no homozygotes.

Submission:

Labcorp Genetics (formerly Invitae), Labcorp
Classification: Uncertain significance. Last evaluated: 2025-11-27. Review status: criteria provided, single submitter. Criteria: Invitae Variant Classification Sherloc (09022015). Collection method: clinical testing. Allele origin: germline.
Comment: This sequence change replaces arginine, which is basic and polar, with histidine, which is basic and polar, at codon 469 of the PCK2 protein (p.Arg469His). This variant is present in population databases (rs201340475, gnomAD 0.07%), and has an allele count higher than expected for a pathogenic variant. This variant has not been reported in the literature in individuals affected with PCK2-related conditions. ClinVar contains an entry for this variant (Variation ID: 1401793). Invitae Evidence Modeling of protein sequence and biophysical properties (such as structural, functional, and spatial information, amino acid conservation, physicochemical variation, residue mobility, and thermodynamic stability) indicates that this missense variant is not expected to disrupt PCK2 protein function with a negative predictive value of 80%. In summary, the available evidence is currently insufficient to determine the role of this variant in disease. Therefore, it has been classified as a Variant of Uncertain Significance.